The following is an entry in ClinVar:

ClinVar aggregate classification (germline): Uncertain significance. Review status: criteria provided, multiple submitters, no conflicts (2 of 4 stars). 5 submissions from 5 submitters: Uncertain significance (4). 1 of the submissions does not count toward it. Last evaluated 2023-12-18.

Conditions:
Autosomal recessive nonsyndromic hearing loss 18A. Also called: DEAFNESS, AUTOSOMAL RECESSIVE 18; Deafness, autosomal recessive 18A. Identifiers: Orphanet 90636, MedGen C1865870, MONDO:0011192, OMIM 602092.
Usher syndrome type 1 (USH1). Also called: RETINITIS PIGMENTOSA AND CONGENITAL DEAFNESS. Identifiers: Orphanet 231169, Orphanet 886, MedGen C1568247, MONDO:0010168, OMIM 276900.
Usher syndrome type 1C. Also called: USHER SYNDROME, TYPE I, ACADIAN VARIETY. Identifiers: Orphanet 231169, Orphanet 886, MedGen C1848604, MONDO:0010171, OMIM 276904.

Allele frequency attached by ClinVar (database versions not stated): gnomAD exomes below 0.00001 and 0.00001; ExAC 0.00001; gnomAD 0.00001; TOPMed 0.00002.
gnomAD v4.1: 23 of 1,613,822 alleles (0.0014%); highest among the groups gnomAD compares: South Asian, 0.0055%; no homozygotes.

Submissions (5):

Blueprint Genetics
Classification: Uncertain significance. Last evaluated: 2023-12-18. Review status: criteria provided, single submitter. Criteria: ACMG Guidelines, 2015. Collection method: clinical testing. Allele origin: germline.

Fulgent Genetics
Classification: Uncertain significance for Usher syndrome type 1; Usher syndrome type 1C; Autosomal recessive nonsyndromic hearing loss 18A. Last evaluated: 2021-12-09. Review status: criteria provided, single submitter. Criteria: ACMG Guidelines, 2015. Collection method: clinical testing. Allele origin: unknown.

GeneDx
Classification: Uncertain significance. Last evaluated: 2019-09-27. Review status: criteria provided, single submitter. Criteria: GeneDx Variant Classification Process June 2021. Collection method: clinical testing. Allele origin: germline. Affected: yes.
Comment: Not observed at a significant frequency in large population cohorts (Lek et al., 2016); In silico analysis, which includes protein predictors and evolutionary conservation, supports that this variant does not alter protein structure/function; Has not been previously published as pathogenic or benign to our knowledge

Laboratory for Molecular Medicine, Mass General Brigham Personalized Medicine
Classification: Uncertain significance. Last evaluated: 2016-03-03. Review status: criteria provided, single submitter. Criteria: LMM Criteria. Collection method: clinical testing. Allele origin: germline. Observed: 1 variant allele.
Comment: The p.Asn51Ser variant in USH1C has not been previously reported in individuals with hearing loss or Usher Syndrome, but has been identified in 1/16428 South As ian chromosomes by the Exome Aggregation Consortium (ExAC; dbSNP rs775363189). Although this variant has been seen in the genera l population, its frequency is not high enough to rule out a pathogenic role. Co mputational prediction tools and conservation analyses suggest that the p.Asn51S er variant may not impact the protein, though this information is not predictive enough to rule out pathogenicity. In summary, the clinical significance of the p.Asn51Ser variant is uncertain.

Natera, Inc.
Classification: Uncertain significance for Usher syndrome type 1C. Last evaluated: 2021-04-09. Review status: no assertion criteria provided. Collection method: clinical testing. Allele origin: germline. Not counted in ClinVar's aggregate classification.

NM_153676.4(USH1C):c.152A>G (p.Asn51Ser)

Gene: USH1C (USH1 protein network component harmonin; minus strand). Cytogenetic location: 11p15.1.
Variant type: single nucleotide variant.
Coding change: c.152A>G on transcript NM_153676.4 (MANE Select); coding-DNA position 152, A replaced by G.
Protein change: p.Asn51Ser; replaces asparagine 51 with serine.
Molecular consequence: missense variant. On other transcripts: non-coding transcript variant (1).
Genome position (GRCh38, 1-based): chr11:17,531,495, T>C on the plus strand (A>G on the coding strand, the complement: USH1C is on the minus strand). VCF-style: chr11-17531495-T-C. GRCh37 (hg19) VCF-style: chr11-17553042-T-C.
Other names: c.152A>G, p.Asn51Ser (NM_001297764.2, NM_005709.4); short protein forms N51S.
Identifiers: ClinVar variation 229601 (VCV000229601.11), dbSNP rs775363189, ClinGen allele CA5905152.